The following is an entry in ClinVar:

ClinVar aggregate classification (germline): Uncertain significance (1 of 4 stars; one submission).

Allele frequency attached by ClinVar (database versions not stated): gnomAD exomes below 0.00001.
gnomAD v4.1: 1 of 1,187,768 alleles (0.000084%); highest among the groups gnomAD compares: Non-Finnish European, 0.0001%; no homozygotes.

Submission:

Labcorp Genetics (formerly Invitae), Labcorp
Classification: Uncertain significance. Last evaluated: 2023-02-27. Review status: criteria provided, single submitter. Criteria: Invitae Variant Classification Sherloc (09022015). Collection method: clinical testing. Allele origin: germline.
Comment: This sequence change replaces glycine, which is neutral and non-polar, with aspartic acid, which is acidic and polar, at codon 49 of the KMT2A protein (p.Gly49Asp). The frequency data for this variant in the population databases is considered unreliable, as metrics indicate insufficient coverage at this position in the gnomAD database. This variant has not been reported in the literature in individuals affected with KMT2A-related conditions. Advanced modeling of protein sequence and biophysical properties (such as structural, functional, and spatial information, amino acid conservation, physicochemical variation, residue mobility, and thermodynamic stability) has been performed at Invitae for this missense variant, however the output from this modeling did not meet the statistical confidence thresholds required to predict the impact of this variant on KMT2A protein function. In summary, the available evidence is currently insufficient to determine the role of this variant in disease. Therefore, it has been classified as a Variant of Uncertain Significance.

NM_001197104.2(KMT2A):c.146G>A (p.Gly49Asp)

Gene: KMT2A (lysine methyltransferase 2A; plus strand). Cytogenetic location: 11q23.3.
Variant type: single nucleotide variant.
Coding change: c.146G>A on transcript NM_001197104.2 (MANE Select); coding-DNA position 146, G replaced by A.
Protein change: p.Gly49Asp; replaces glycine 49 with aspartic acid.
Molecular consequence: missense variant.
Genome position (GRCh38, 1-based): chr11:118,436,658, G>A. VCF-style: chr11-118436658-G-A. GRCh37 (hg19) VCF-style: chr11-118307373-G-A.
Other names: c.146G>A, p.Gly49Asp (NM_001412597.1, NM_005933.4); short protein forms G49D.
Identifiers: ClinVar variation 2996265 (VCV002996265.3), dbSNP rs1949186893, ClinGen allele CA382797349.